The following is an entry in ClinVar:

NM_001365999.1(SZT2):c.2795A>G (p.Tyr932Cys)

Gene: SZT2 (SZT2 subunit of KICSTOR complex; plus strand). Cytogenetic location: 1p34.2.
Variant type: single nucleotide variant.
Coding change: c.2795A>G on transcript NM_001365999.1 (MANE Select); coding-DNA position 2795, A replaced by G.
Protein change: p.Tyr932Cys; replaces tyrosine 932 with cysteine.
Molecular consequence: missense variant.
Genome position (GRCh38, 1-based): chr1:43,425,623, A>G. VCF-style: chr1-43425623-A-G. GRCh37 (hg19) VCF-style: chr1-43891294-A-G.
Other names: c.2795A>G, p.Tyr932Cys (NM_015284.4); short protein forms Y932C.
Identifiers: ClinVar variation 1052090 (VCV001052090.9), dbSNP rs368630120, ClinGen allele CA808800.
Genomic context (GRCh38, chr1:43,425,623, plus strand): 5'-CACAGTATGGGCGAGTGGGACCTGGCCCTGGAATCTGGAAGCACCTCCAGGACCTGACGT[A>G]TTCTGAGATCCCGCAAGCTGTGAGTGTCCTCAGAACAGTACCCGCACCTCTCTCACTGGA-3'
Protein context (NP_001352928.1, residues 922-942): GIWKHLQDLT[Tyr932Cys]SEIPQALHPR

ClinVar aggregate classification (germline): Uncertain significance (1 of 4 stars; one submission).

Allele frequency attached by ClinVar (database versions not stated): gnomAD 0.00001; gnomAD exomes 0.00001; ESP Exome Variant Server 0.00015; TOPMed below 0.00001; ExAC 0.00001.
gnomAD v4.1: 8 of 1,613,962 alleles (0.0005%); highest among the groups gnomAD compares: African/African-American, 0.0013%; no homozygotes.

Submission:

Labcorp Genetics (formerly Invitae), Labcorp
Classification: Uncertain significance. Last evaluated: 2020-08-20. Review status: criteria provided, single submitter. Criteria: Invitae Variant Classification Sherloc (09022015). Collection method: clinical testing. Allele origin: germline.
Comment: This sequence change replaces tyrosine with cysteine at codon 932 of the SZT2 protein (p.Tyr932Cys). The tyrosine residue is highly conserved and there is a large physicochemical difference between tyrosine and cysteine. This variant is present in population databases (rs368630120, ExAC 0.01%). This variant has not been reported in the literature in individuals with SZT2-related conditions. Algorithms developed to predict the effect of missense changes on protein structure and function are either unavailable or do not agree on the potential impact of this missense change (SIFT: "Tolerated"; PolyPhen-2: "Probably Damaging"; Align-GVGD: "Class C15"). In summary, the available evidence is currently insufficient to determine the role of this variant in disease. Therefore, it has been classified as a Variant of Uncertain Significance.